The following is an entry in ClinVar:

NM_006939.4(SOS2):c.3026A>G (p.Asn1009Ser)

Gene: SOS2 (SOS Ras/Rho guanine nucleotide exchange factor 2; minus strand). Cytogenetic location: 14q21.3.
Variant type: single nucleotide variant.
Coding change: c.3026A>G on transcript NM_006939.4 (MANE Select); coding-DNA position 3026, A replaced by G.
Protein change: p.Asn1009Ser; replaces asparagine 1009 with serine.
Molecular consequence: missense variant.
Genome position (GRCh38, 1-based): chr14:50,134,172, T>C on the plus strand (A>G on the coding strand, the complement: SOS2 is on the minus strand). VCF-style: chr14-50134172-T-C. GRCh37 (hg19) VCF-style: chr14-50600890-T-C.
Other names: short protein forms N1009S.
Identifiers: ClinVar variation 1172861 (VCV001172861.10), dbSNP rs779413196, ClinGen allele CA7176889.

ClinVar aggregate classification (germline): Conflicting classifications of pathogenicity. Review status: criteria provided, conflicting classifications (1 of 4 stars). 4 submissions from 4 submitters: Uncertain significance (3); Likely benign (1). Last evaluated 2026-02-16.

Conditions:
Noonan syndrome 9 (NS9). Identifiers: Orphanet 648, MedGen C4225282, MONDO:0014691, OMIM 616559.
Cardiovascular phenotype. Identifiers: MedGen CN230736.

Allele frequency attached by ClinVar (database versions not stated): gnomAD exomes below 0.00001 and 0.00001; ExAC 0.00002.
gnomAD v4.1: 8 of 1,609,936 alleles (0.0005%); highest among the groups gnomAD compares: African/African-American, 0.0027%; no homozygotes.

Submissions (4):

Women's Health and Genetics/Laboratory Corporation of America, LabCorp
Classification: Uncertain significance. Last evaluated: 2026-02-16. Review status: criteria provided, single submitter. Criteria: LabCorp Variant Classification Summary - May 2015. Collection method: clinical testing. Allele origin: germline.
Comment: Variant summary: SOS2 c.3026A>G (p.Asn1009Ser) results in a conservative amino acid change in the encoded protein sequence. Algorithms developed to predict the effect of missense changes on protein structure and function are either unavailable or do not agree on the potential impact of this missense change. The variant allele was found at a frequency of 8e-06 in 250652 control chromosomes. The available data on variant occurrences in the general population are insufficient to allow any conclusion about variant significance. To our knowledge, no occurrence of c.3026A>G in individuals affected with SOS2-related conditions and no experimental evidence demonstrating its impact on protein function have been reported. ClinVar contains an entry for this variant (Variation ID: 1172861). Based on the evidence outlined above, the variant was classified as uncertain significance.

Labcorp Genetics (formerly Invitae), Labcorp
Classification: Likely benign for Noonan syndrome 9. Last evaluated: 2025-12-17. Review status: criteria provided, single submitter. Criteria: Invitae Variant Classification Sherloc (09022015). Collection method: clinical testing. Allele origin: germline.

Ambry Genetics
Classification: Uncertain significance for Cardiovascular phenotype. Last evaluated: 2022-03-25. Review status: criteria provided, single submitter. Criteria: Ambry Variant Classification Scheme 2023. Collection method: clinical testing. Allele origin: germline.
Comment: The p.N1009S variant (also known as c.3026A>G), located in coding exon 19 of the SOS2 gene, results from an A to G substitution at nucleotide position 3026. The asparagine at codon 1009 is replaced by serine, an amino acid with highly similar properties. This amino acid position is conserved. In addition, this alteration is predicted to be tolerated by in silico analysis. Since supporting evidence is limited at this time, the clinical significance of this alteration remains unclear.

Genome-Nilou Lab
Classification: Uncertain significance for Noonan syndrome 9. Review status: criteria provided, single submitter. Criteria: ACMG Guidelines, 2015. Collection method: clinical testing. Allele origin: germline.